The following is an entry in ClinVar:

ClinVar aggregate classification (germline): Pathogenic (1 of 4 stars; one submission).

Conditions:
Hereditary cancer-predisposing syndrome. Also called: Tumor predisposition; Neoplastic Syndromes, Hereditary; Hereditary Cancer Syndrome; Hereditary neoplastic syndrome. Identifiers: Orphanet 140162, MedGen C0027672, MeSH D009386, MONDO:0015356.

Submission:

Ambry Genetics
Classification: Pathogenic for Hereditary cancer-predisposing syndrome. Last evaluated: 2024-11-19. Review status: criteria provided, single submitter. Criteria: Ambry Variant Classification Scheme 2023. Collection method: clinical testing. Allele origin: germline.
Comment: The c.6956delG pathogenic mutation, located in coding exon 12 of the BRCA2 gene, results from a deletion of one nucleotide at nucleotide position 6956, causing a translational frameshift with a predicted alternate stop codon (p.R2319Nfs*9). This variant is considered to be rare based on population cohorts in the Genome Aggregation Database (gnomAD). This alteration is expected to result in loss of function by premature protein truncation or nonsense-mediated mRNA decay. As such, this alteration is interpreted as a disease-causing mutation.

NM_000059.4(BRCA2):c.6956del (p.Arg2319fs)

Gene: BRCA2 (BRCA2 DNA repair associated; plus strand). Cytogenetic location: 13q13.1.
Variant type: Deletion.
Coding change: c.6956del on transcript NM_000059.4 (MANE Select); coding-DNA position 6956, one base deleted (G; older notation c.6956delG).
Protein change: p.Arg2319fs; shifts the reading frame from arginine 2319.
Molecular consequence: frameshift variant. On other transcripts: non-coding transcript variant (1).
Genome position (GRCh38, 1-based): chr13:32,346,845, G deleted. VCF-style (leftmost placement, unchanged base first): chr13-32346844-AG-A. GRCh37 (hg19) VCF-style: chr13-32920981-AG-A.
Other names: c.6860del, p.Arg2287fs (NM_001406719.1); c.6956del, p.Arg2319fs (NM_001406720.1, NM_001432077.1); c.2024del, p.Arg675fs (NM_001406721.1); c.539del, p.Arg180fs (NM_001406722.1); short protein forms R675fs, R180fs, R2287fs, R2319fs.
Identifiers: ClinVar variation 3482186 (VCV003482186.1).
Genomic context (GRCh38, chr13:32,346,844, plus strand): 5'-TTAGATTTTAACTAATATGTAATATAAAATAATTGTTTCCTAGGCACAATAAAAGATCGA[AG>A]ATTGTTTATGCATCATGTTTCTTTAGAGCCGATTACCTGTGTACCCTTTCGGTAAGACAT-3'